The following is an entry in ClinVar:

ClinVar aggregate classification (germline): Pathogenic. Review status: criteria provided, multiple submitters, no conflicts (2 of 4 stars). 5 submissions from 5 submitters: Pathogenic (3). 2 of the submissions do not count toward it. Last evaluated 2026-01-27.

Conditions:
CLCN7-related disorder. Also called: CLCN7-related condition.
Autosomal recessive osteopetrosis 4. Also called: infantile malignant CLCN7-related recessive osteopetrosis; CLCN7-Related Osteopetrosis. Identifiers: Orphanet 667, MedGen C1969106, MONDO:0012676, OMIM 611490.
Autosomal dominant osteopetrosis 2. Also called: OSTEOSCLEROSIS FRAGILIS GENERALISATA; ALBERS-SCHONBERG DISEASE, AUTOSOMAL DOMINANT; Autosomal Dominant Osteopetrosis Type II (ADOII); MARBLE BONES, AUTOSOMAL DOMINANT; Osteopetroses; Marble bones. Identifiers: Orphanet 53, MedGen C3179239, MONDO:0008156, OMIM 166600.

Allele frequency attached by ClinVar (database versions not stated): gnomAD exomes below 0.00001.
gnomAD v4.1: 4 of 1,601,746 alleles (0.00025%); highest among the groups gnomAD compares: East Asian, 0.0022%; no homozygotes.

Submissions (5):

GeneDx
Classification: Pathogenic. Last evaluated: 2026-01-27. Review status: criteria provided, single submitter. Criteria: GeneDx Variant Classification Process June 2021. Collection method: clinical testing. Allele origin: germline.
Comment: Published functional studies demonstrate a damaging effect of R767W on CLCN7 channel function (PMID: 19543743); Not observed at significant frequency in large population cohorts (gnomAD); In silico analysis supports that this missense variant has a deleterious effect on protein structure/function; This variant is associated with the following publications: (PMID: 28975865, 11741829, 37334733, 26056022, 36920765, 34545712, 35902893, 19288050, 19953639, 37704070, 21947783, 19543743, 41421595, 40276109, 38702915, 11468688, 1516225, 40018371, 38661205, 40913471)

Labcorp Genetics (formerly Invitae), Labcorp
Classification: Pathogenic. Last evaluated: 2026-01-24. Review status: criteria provided, single submitter. Criteria: Invitae Variant Classification Sherloc (09022015). Collection method: clinical testing. Allele origin: germline.
Comment: This sequence change replaces arginine, which is basic and polar, with tryptophan, which is neutral and slightly polar, at codon 767 of the CLCN7 protein (p.Arg767Trp). This variant is not present in population databases (gnomAD no frequency). This missense change has been observed in individuals with autosomal dominant osteopetrosis (PMID: 11741829, 21947783; internal data). ClinVar contains an entry for this variant (Variation ID: 6863). Invitae Evidence Modeling of protein sequence and biophysical properties (such as structural, functional, and spatial information, amino acid conservation, physicochemical variation, residue mobility, and thermodynamic stability) indicates that this missense variant is expected to disrupt CLCN7 protein function with a positive predictive value of 95%. For these reasons, this variant has been classified as Pathogenic.

Blueprint Genetics
Classification: Pathogenic for CLCN7-related disorders. Last evaluated: 2024-11-07. Review status: criteria provided, single submitter. Criteria: ACMG Guidelines, 2015. Collection method: clinical testing. Allele origin: germline. Affected: yes. Observed: 5 variant alleles.

OMIM
Classification: Pathogenic for OSTEOPETROSIS, AUTOSOMAL DOMINANT 2. Last evaluated: 2001-12-01. Review status: no assertion criteria provided. Collection method: literature only. Allele origin: germline. Not counted in ClinVar's aggregate classification.

GeneReviews
No classification provided. Condition: Autosomal recessive osteopetrosis 4. Review status: no classification provided. Collection method: literature only. Allele origin: unknown. Not counted in ClinVar's aggregate classification.

Literature cited by the submitters: PubMed 11741829 (cited by 3 submitters); PubMed 21947783 (cited by Labcorp Genetics (formerly Invitae), Labcorp); PubMed 11468688 (cited by OMIM); PubMed 1516225 (cited by OMIM); PubMed 20301306 (cited by GeneReviews); NCBI Bookshelf NBK1127 (cited by GeneReviews).

NM_001287.6(CLCN7):c.2299C>T (p.Arg767Trp)

Gene: CLCN7 (Cl-/H+ antiporter 7; minus strand). Cytogenetic location: 16p13.3.
Variant type: single nucleotide variant.
Coding change: c.2299C>T on transcript NM_001287.6 (MANE Select); coding-DNA position 2299, C replaced by T.
Protein change: p.Arg767Trp; replaces arginine 767 with tryptophan.
Molecular consequence: missense variant.
Genome position (GRCh38, 1-based): chr16:1,447,038, G>A on the plus strand (C>T on the coding strand, the complement: CLCN7 is on the minus strand). VCF-style: chr16-1447038-G-A. GRCh37 (hg19) VCF-style: chr16-1497039-G-A.
Other names: c.2227C>T, p.Arg743Trp (NM_001114331.3); short protein forms R767W, R743W.
Identifiers: ClinVar variation 6863 (VCV000006863.13), dbSNP rs121434435, ClinGen allele CA253987.